The following is an entry in ClinVar:

NM_001352754.2(ARMC9):c.1493A>G (p.Lys498Arg)

Gene: ARMC9 (armadillo repeat containing 9; plus strand). Cytogenetic location: 2q37.1.
Variant type: single nucleotide variant.
Coding change: c.1493A>G on transcript NM_001352754.2 (MANE Select); coding-DNA position 1493, A replaced by G.
Protein change: p.Lys498Arg; replaces lysine 498 with arginine.
Molecular consequence: missense variant. On other transcripts: non-coding transcript variant (1).
Genome position (GRCh38, 1-based): chr2:231,278,400, A>G. VCF-style: chr2-231278400-A-G. GRCh37 (hg19) VCF-style: chr2-232143113-A-G.
Other names: c.1493A>G, p.Lys498Arg (NM_001271466.4, NM_001291656.2, NM_001352755.2 and 3 more transcripts); c.1394A>G, p.Lys465Arg (NM_001352757.2, NM_001352758.2); c.1493A>G (NM_025139.3); short protein forms K498R, K465R.
Identifiers: ClinVar variation 1967457 (VCV001967457.4), dbSNP rs530820974, ClinGen allele CA2160356.

ClinVar aggregate classification (germline): Uncertain significance. Review status: criteria provided, multiple submitters, no conflicts (2 of 4 stars). 2 submissions from 2 submitters: Uncertain significance (2). Last evaluated 2023-07-19.

Conditions:
Inborn genetic diseases. Identifiers: MedGen C0950123, MeSH D030342.

Allele frequency attached by ClinVar (database versions not stated): gnomAD exomes 0.00001; ExAC 0.00002; TOPMed 0.00003; gnomAD 0.00005; 1000 Genomes Project 30x 0.00016; 1000 Genomes Project 0.00020.
gnomAD v4.1: 13 of 1,614,172 alleles (0.00081%); highest among the groups gnomAD compares: African/African-American, 0.017%; no homozygotes.

Submissions (2):

Ambry Genetics
Classification: Uncertain significance for Inborn genetic diseases. Last evaluated: 2023-07-19. Review status: criteria provided, single submitter. Criteria: Ambry Variant Classification Scheme 2023. Collection method: clinical testing. Allele origin: germline.

Labcorp Genetics (formerly Invitae), Labcorp
Classification: Uncertain significance. Last evaluated: 2022-08-23. Review status: criteria provided, single submitter. Criteria: Invitae Variant Classification Sherloc (09022015). Collection method: clinical testing. Allele origin: germline.
Comment: This sequence change replaces lysine, which is basic and polar, with arginine, which is basic and polar, at codon 498 of the ARMC9 protein (p.Lys498Arg). This variant is present in population databases (rs530820974, gnomAD 0.03%). This variant has not been reported in the literature in individuals affected with ARMC9-related conditions. Algorithms developed to predict the effect of sequence changes on RNA splicing suggest that this variant may disrupt the consensus splice site. In summary, the available evidence is currently insufficient to determine the role of this variant in disease. Therefore, it has been classified as a Variant of Uncertain Significance.